The following is an entry in ClinVar:

ClinVar aggregate classification (germline): Uncertain significance. Review status: criteria provided, multiple submitters, no conflicts (2 of 4 stars). 2 submissions from 2 submitters: Uncertain significance (2). Last evaluated 2024-12-17.

Conditions:
Hereditary cancer-predisposing syndrome. Also called: Tumor predisposition; Neoplastic Syndromes, Hereditary; Hereditary neoplastic syndrome; Hereditary Cancer Syndrome. Identifiers: Orphanet 140162, MedGen C0027672, MeSH D009386, MONDO:0015356.
Cardiovascular phenotype. Identifiers: MedGen CN230736.
Neurofibromatosis, type 1 (NF1). Also called: NEUROFIBROMATOSIS, TYPE I, SOMATIC; Neurofibromatosis, type I; Peripheral type neurofibromatosis; VON RECKLINGHAUSEN DISEASE. Identifiers: Orphanet 636, MedGen C0027831, MONDO:0018975, OMIM 162200. Disease mechanism: loss of function.

Submissions (2):

Ambry Genetics
Classification: Uncertain significance for Cardiovascular phenotype; Hereditary cancer-predisposing syndrome. Last evaluated: 2024-12-17. Review status: criteria provided, single submitter. Criteria: Ambry Variant Classification Scheme 2023. Collection method: clinical testing. Allele origin: germline.
Comment: The p.H2051Y variant (also known as c.6151C>T), located in coding exon 41 of the NF1 gene, results from a C to T substitution at nucleotide position 6151. The histidine at codon 2051 is replaced by tyrosine, an amino acid with similar properties. This amino acid position is conserved. In addition, the in silico prediction for this alteration is inconclusive. Based on the available evidence, the clinical significance of this variant remains unclear.

Labcorp Genetics (formerly Invitae), Labcorp
Classification: Uncertain significance for Neurofibromatosis, type 1. Last evaluated: 2022-02-07. Review status: criteria provided, single submitter. Criteria: Invitae Variant Classification Sherloc (09022015). Collection method: clinical testing. Allele origin: germline.
Comment: This sequence change replaces histidine, which is basic and polar, with tyrosine, which is neutral and polar, at codon 2051 of the NF1 protein (p.His2051Tyr). This variant is not present in population databases (gnomAD no frequency). This variant has not been reported in the literature in individuals affected with NF1-related conditions. Advanced modeling of protein sequence and biophysical properties (such as structural, functional, and spatial information, amino acid conservation, physicochemical variation, residue mobility, and thermodynamic stability) performed at Invitae indicates that this missense variant is expected to disrupt NF1 protein function. In summary, the available evidence is currently insufficient to determine the role of this variant in disease. Therefore, it has been classified as a Variant of Uncertain Significance.

NM_001042492.3(NF1):c.6214C>T (p.His2072Tyr)

Gene: NF1 (neurofibromin 1; plus strand). Cytogenetic location: 17q11.2.
Variant type: single nucleotide variant.
Coding change: c.6214C>T on transcript NM_001042492.3 (MANE Select); coding-DNA position 6214, C replaced by T.
Protein change: p.His2072Tyr; replaces histidine 2072 with tyrosine.
Molecular consequence: missense variant.
Genome position (GRCh38, 1-based): chr17:31,336,701, C>T. VCF-style: chr17-31336701-C-T. GRCh37 (hg19) VCF-style: chr17-29663719-C-T.
Other names: c.6151C>T, p.His2051Tyr (NM_000267.4); short protein forms H2072Y, H2051Y.
Identifiers: ClinVar variation 2093219 (VCV002093219.5), dbSNP rs2151554479, ClinGen allele CA399011934.